The following is an entry in ClinVar:

ClinVar aggregate classification (germline): Uncertain significance. Review status: criteria provided, multiple submitters, no conflicts (2 of 4 stars). 2 submissions from 2 submitters: Uncertain significance (2). Last evaluated 2023-10-30.

Conditions:
Breast-ovarian cancer, familial, susceptibility to, 4. Identifiers: Orphanet 145, MedGen C3280345, MONDO:0013669, OMIM 614291.
Hereditary cancer-predisposing syndrome. Also called: Neoplastic Syndromes, Hereditary; Hereditary Cancer Syndrome; Hereditary neoplastic syndrome; Tumor predisposition. Identifiers: Orphanet 140162, MedGen C0027672, MeSH D009386, MONDO:0015356.

Submissions (2):

Labcorp Genetics (formerly Invitae), Labcorp
Classification: Uncertain significance for Breast-ovarian cancer, familial, susceptibility to, 4. Last evaluated: 2023-10-30. Review status: criteria provided, single submitter. Criteria: Invitae Variant Classification Sherloc (09022015). Collection method: clinical testing. Allele origin: germline.
Comment: This sequence change falls in intron 6 of the RAD51D gene. It does not directly change the encoded amino acid sequence of the RAD51D protein. It affects a nucleotide within the consensus splice site. This variant is not present in population databases (gnomAD no frequency). This variant has not been reported in the literature in individuals affected with RAD51D-related conditions. ClinVar contains an entry for this variant (Variation ID: 2563031). Variants that disrupt the consensus splice site are a relatively common cause of aberrant splicing (PMID: 17576681, 9536098). Algorithms developed to predict the effect of sequence changes on RNA splicing suggest that this variant is not likely to affect RNA splicing. In summary, the available evidence is currently insufficient to determine the role of this variant in disease. Therefore, it has been classified as a Variant of Uncertain Significance.

Ambry Genetics
Classification: Uncertain significance for Hereditary cancer-predisposing syndrome. Last evaluated: 2023-04-24. Review status: criteria provided, single submitter. Criteria: Ambry Variant Classification Scheme 2023. Collection method: clinical testing. Allele origin: germline.
Comment: The c.576+5G>A intronic variant results from a G to A substitution 5 nucleotides after coding exon 6 in the RAD51D gene. This nucleotide position is highly conserved in available vertebrate species. In silico splice site analysis predicts that this alteration will not have any significant effect on splicing; however, direct evidence is insufficient at this time (Ambry internal data). Since supporting evidence is limited at this time, the clinical significance of this alteration remains unclear.

Literature cited by the submitters: PubMed 17576681 (cited by Labcorp Genetics (formerly Invitae), Labcorp); PubMed 9536098 (cited by Labcorp Genetics (formerly Invitae), Labcorp).

NM_002878.4(RAD51D):c.576+5G>A

Genes: RAD51L3-RFFL (RAD51L3-RFFL readthrough; minus strand), RAD51D (RAD51 paralog D; minus strand). Cytogenetic location: 17q12.
Variant type: single nucleotide variant.
Coding change: c.576+5G>A on transcript NM_002878.4 (MANE Select); 5 bases into the intron after coding-DNA position 576, G replaced by A.
Molecular consequence: intron variant.
Genome position (GRCh38, 1-based): chr17:35,106,381, C>T on the plus strand (G>A on the coding strand, the complement: RAD51D is on the minus strand). VCF-style: chr17-35106381-C-T. GRCh37 (hg19) VCF-style: chr17-33433400-C-T.
Other names: c.240+5G>A (NM_133629.3); c.636+5G>A (NM_001142571.2).
Identifiers: ClinVar variation 2563031 (VCV002563031.5), dbSNP rs2142428725, ClinGen allele CA2580612679.